The following is an entry in ClinVar:

ClinVar aggregate classification (germline): Uncertain significance (1 of 4 stars; one submission).

Conditions:
Epidermolysis bullosa simplex 5B, with muscular dystrophy (EBS5B). Also called: EPIDERMOLYSIS BULLOSA SIMPLEX AND LIMB-GIRDLE MUSCULAR DYSTROPHY; Epidermolysis bullosa simplex with muscular dystrophy. Identifiers: Orphanet 257, MedGen C2931072, MONDO:0009181, OMIM 226670.
Epidermolysis bullosa simplex, Ogna type (EBS5A). Also called: Pidermolysis bullosa simplex 5A, Ogna type; EPIDERMOLYSIS BULLOSA SIMPLEX 5A, OGNA TYPE. Identifiers: Orphanet 79401, MedGen C0432317, MONDO:0007555, OMIM 131950.
Epidermolysis bullosa simplex with nail dystrophy (EBS5D). Identifiers: MedGen C4225309, MONDO:0014661, OMIM 616487.
Autosomal recessive limb-girdle muscular dystrophy type 2Q (LGMDR17). Also called: MUSCULAR DYSTROPHY, LIMB-GIRDLE, AUTOSOMAL RECESSIVE 17. Identifiers: Orphanet 254361, MedGen C3150989, MONDO:0013390, OMIM 613723.
Epidermolysis bullosa simplex 5C, with pyloric atresia (EBS5C). Also called: PLEC1-Related Epidermolysis Bullosa with Pyloric Atresia; PLEC-Related Epidermolysis Bullosa with Pyloric Atresia; Epidermolysis bullosa simplex with pyloric atresia. Identifiers: Orphanet 158684, MedGen C2677349, MONDO:0012807, OMIM 612138.

Submission:

Labcorp Genetics (formerly Invitae), Labcorp
Classification: Uncertain significance for Autosomal recessive limb-girdle muscular dystrophy type 2Q; Epidermolysis bullosa simplex, Ogna type; Epidermolysis bullosa simplex with nail dystrophy; Epidermolysis bullosa simplex 5C, with pyloric atresia; Epidermolysis bullosa simplex 5B, with muscular dystrophy. Last evaluated: 2020-12-15. Review status: criteria provided, single submitter. Criteria: Invitae Variant Classification Sherloc (09022015). Collection method: clinical testing. Allele origin: germline.
Comment: In summary, the available evidence is currently insufficient to determine the role of this variant in disease. Therefore, it has been classified as a Variant of Uncertain Significance. Algorithms developed to predict the effect of missense changes on protein structure and function are either unavailable or do not agree on the potential impact of this missense change (SIFT: "Deleterious"; PolyPhen-2: "Possibly Damaging"; Align-GVGD: "Class C0"). This variant has not been reported in the literature in individuals with PLEC-related conditions. The frequency data for this variant in the population databases is considered unreliable, as metrics indicate insufficient coverage at this position in the ExAC database. This sequence change replaces glutamic acid with lysine at codon 2599 of the PLEC protein (p.Glu2599Lys). The glutamic acid residue is highly conserved and there is a small physicochemical difference between glutamic acid and lysine.

NM_201384.3(PLEC):c.7714G>A (p.Glu2572Lys)

Gene: PLEC (plectin; minus strand). Cytogenetic location: 8q24.3.
Variant type: single nucleotide variant.
Coding change: c.7714G>A on transcript NM_201384.3 (MANE Select); coding-DNA position 7714, G replaced by A.
Protein change: p.Glu2572Lys; replaces glutamic acid 2572 with lysine.
Molecular consequence: missense variant.
Genome position (GRCh38, 1-based): chr8:143,922,107, C>T on the plus strand (G>A on the coding strand, the complement: PLEC is on the minus strand). VCF-style: chr8-143922107-C-T. GRCh37 (hg19) VCF-style: chr8-144996275-C-T.
Other names: c.7795G>A, p.Glu2599Lys (NM_000445.5); c.7672G>A, p.Glu2558Lys (NM_201378.4); c.7648G>A, p.Glu2550Lys (NM_201379.3); c.8125G>A, p.Glu2709Lys (NM_201380.4); c.7618G>A, p.Glu2540Lys (NM_201381.3); c.7714G>A, p.Glu2572Lys (NM_201382.4); c.7726G>A, p.Glu2576Lys (NM_201383.3); short protein forms E2540K, E2572K, E2599K, E2709K, E2550K, E2558K, E2576K.
Identifiers: ClinVar variation 1470538 (VCV001470538.8), dbSNP rs1554688368, ClinGen allele CA372522853.
Genomic context (GRCh38, chr8:143,922,107, plus strand): 5'-GGTTCTCCTCAGCCAGCAGCTCCTCCTGCTGCCGCCGCTGCTGCTCCAGCTGCTGCAGCT[C>T]CTCCTGCTTGCGCCGCACGCCCTCCTCGGCCTCATGCTGCCGCCGCCGCGCCTCCTCCAT-3'
Protein context (NP_958786.1, residues 2562-2582): AEEGVRRKQE[Glu2572Lys]LQQLEQQRRQ